The following is an entry in ClinVar:

NM_001127208.3(TET2):c.2248A>G (p.Ile750Val)

Genes: TET2 (tet methylcytosine dioxygenase 2; plus strand), TET2-AS1 (TET2 antisense RNA 1; minus strand). Cytogenetic location: 4q24.
Variant type: single nucleotide variant.
Coding change: c.2248A>G on transcript NM_001127208.3 (MANE Select); coding-DNA position 2248, A replaced by G.
Protein change: p.Ile750Val; replaces isoleucine 750 with valine.
Molecular consequence: missense variant.
Genome position (GRCh38, 1-based): chr4:105,236,190, A>G. VCF-style: chr4-105236190-A-G. GRCh37 (hg19) VCF-style: chr4-106157347-A-G.
Other names: c.2248A>G, p.Ile750Val (NM_017628.4); short protein forms I750V.
Identifiers: ClinVar variation 3455374 (VCV003455374.1).
Genomic context (GRCh38, chr4:105,236,190, plus strand): 5'-ACACAACCATCCCAGAGTTCACATCTCCCTCAAAACCAGCAACAGCAGCAAAAATTACAA[A>G]TAAAGAATAAAGAGGAAATACTCCAGACTTTTCCTCACCCCCAAAGCAACAATGATCAGC-3'
Protein context (NP_001120680.1, residues 740-760): QNQQQQQKLQ[Ile750Val]KNKEEILQTF

ClinVar aggregate classification (germline): Uncertain significance (1 of 4 stars; one submission).

Submission:

Ambry Genetics
Classification: Uncertain significance. Last evaluated: 2024-12-04. Review status: criteria provided, single submitter. Criteria: Ambry Variant Classification Scheme 2023. Collection method: clinical testing. Allele origin: germline.
Comment: The p.I750V variant (also known as c.2248A>G), located in coding exon 1 of the TET2 gene, results from an A to G substitution at nucleotide position 2248. The isoleucine at codon 750 is replaced by valine, an amino acid with highly similar properties. This amino acid position is conserved. In addition, this alteration is predicted to be tolerated by in silico analysis. Based on the available evidence, the clinical significance of this variant remains unclear.